The following is an entry in ClinVar:

NM_001135022.2(ELMOD3):c.1103G>A (p.Ser368Asn)

Gene: ELMOD3 (ELMO domain containing 3; plus strand). Cytogenetic location: 2p11.2.
Variant type: single nucleotide variant.
Coding change: c.1103G>A on transcript NM_001135022.2 (MANE Select); coding-DNA position 1103, G replaced by A.
Protein change: p.Ser368Asn; replaces serine 368 with asparagine.
Molecular consequence: missense variant. On other transcripts: non-coding transcript variant (3).
Genome position (GRCh38, 1-based): chr2:85,390,919, G>A. VCF-style: chr2-85390919-G-A. GRCh37 (hg19) VCF-style: chr2-85618042-G-A.
Other names: c.1103G>A, p.Ser368Asn (NM_001135021.2, NM_001135023.2, NM_001329791.2 and 2 more transcripts); c.*421G>A (NM_032213.5); short protein forms S368N.
Identifiers: ClinVar variation 1953938 (VCV001953938.5), dbSNP rs778441524, ClinGen allele CA51709867.

ClinVar aggregate classification (germline): Uncertain significance (1 of 4 stars; one submission).

Allele frequency attached by ClinVar (database versions not stated): gnomAD 0.00001; TOPMed 0.00001; gnomAD exomes 0.00005.
gnomAD v4.1: 67 of 1,551,606 alleles (0.0043%); highest among the groups gnomAD compares: Non-Finnish European, 0.0058%; no homozygotes.

Submission:

Labcorp Genetics (formerly Invitae), Labcorp
Classification: Uncertain significance. Last evaluated: 2022-08-25. Review status: criteria provided, single submitter. Criteria: Invitae Variant Classification Sherloc (09022015). Collection method: clinical testing. Allele origin: germline.
Comment: This sequence change replaces serine, which is neutral and polar, with asparagine, which is neutral and polar, at codon 368 of the ELMOD3 protein (p.Ser368Asn). This variant is present in population databases (rs778441524, gnomAD 0.003%). This variant has not been reported in the literature in individuals affected with ELMOD3-related conditions. Algorithms developed to predict the effect of missense changes on protein structure and function (SIFT, PolyPhen-2, Align-GVGD) all suggest that this variant is likely to be tolerated. In summary, the available evidence is currently insufficient to determine the role of this variant in disease. Therefore, it has been classified as a Variant of Uncertain Significance.